The following is an entry in ClinVar:

ClinVar aggregate classification (germline): Uncertain significance (1 of 4 stars; one submission).

gnomAD v4.1: 1 of 1,613,498 alleles (0.000062%); highest among the groups gnomAD compares: Admixed American, 0.0017%; no homozygotes.

Submission:

Labcorp Genetics (formerly Invitae), Labcorp
Classification: Uncertain significance. Last evaluated: 2024-01-01. Review status: criteria provided, single submitter. Criteria: Invitae Variant Classification Sherloc (09022015). Collection method: clinical testing. Allele origin: germline.
Comment: This sequence change replaces proline, which is neutral and non-polar, with leucine, which is neutral and non-polar, at codon 454 of the ATP8A2 protein (p.Pro454Leu). This variant is not present in population databases (gnomAD no frequency). This variant has not been reported in the literature in individuals affected with ATP8A2-related conditions. Advanced modeling of protein sequence and biophysical properties (such as structural, functional, and spatial information, amino acid conservation, physicochemical variation, residue mobility, and thermodynamic stability) performed at Invitae indicates that this missense variant is not expected to disrupt ATP8A2 protein function with a negative predictive value of 80%. In summary, the available evidence is currently insufficient to determine the role of this variant in disease. Therefore, it has been classified as a Variant of Uncertain Significance.

NM_016529.6(ATP8A2):c.1361C>T (p.Pro454Leu)

Gene: ATP8A2 (ATPase phospholipid transporting 8A2). Cytogenetic location: 13q12.13.
Variant type: single nucleotide variant.
Coding change: c.1361C>T on transcript NM_016529.6 (MANE Select); coding-DNA position 1361, C replaced by T.
Protein change: p.Pro454Leu; replaces proline 454 with leucine.
Molecular consequence: missense variant.
Genome position (GRCh38, 1-based): chr13:25,559,729, C>T. VCF-style: chr13-25559729-C-T. GRCh37 (hg19) VCF-style: chr13-26133867-C-T.
Other names: c.1241C>T, p.Pro414Leu (NM_001313741.1); c.1361C>T, p.Pro454Leu (NM_001411005.1, NM_001411006.1); short protein forms P414L, P454L.
Identifiers: ClinVar variation 3016608 (VCV003016608.3), dbSNP rs779559653, ClinGen allele CA387613712.